The following is an entry in ClinVar:

ClinVar aggregate classification (germline): Uncertain significance (1 of 4 stars; one submission).

Submission:

Labcorp Genetics (formerly Invitae), Labcorp
Classification: Uncertain significance. Last evaluated: 2024-10-23. Review status: criteria provided, single submitter. Criteria: Invitae Variant Classification Sherloc (09022015). Collection method: clinical testing. Allele origin: germline.
Comment: This sequence change replaces glycine, which is neutral and non-polar, with glutamic acid, which is acidic and polar, at codon 1358 of the HIVEP2 protein (p.Gly1358Glu). This variant is not present in population databases (gnomAD no frequency). This variant has not been reported in the literature in individuals affected with HIVEP2-related conditions. Invitae Evidence Modeling of protein sequence and biophysical properties (such as structural, functional, and spatial information, amino acid conservation, physicochemical variation, residue mobility, and thermodynamic stability) indicates that this missense variant is not expected to disrupt HIVEP2 protein function with a negative predictive value of 80%. In summary, the available evidence is currently insufficient to determine the role of this variant in disease. Therefore, it has been classified as a Variant of Uncertain Significance.

NM_006734.4(HIVEP2):c.4073G>A (p.Gly1358Glu)

Gene: HIVEP2 (HIVEP zinc finger 2; minus strand). Cytogenetic location: 6q24.2.
Variant type: single nucleotide variant.
Coding change: c.4073G>A on transcript NM_006734.4 (MANE Select); coding-DNA position 4073, G replaced by A.
Protein change: p.Gly1358Glu; replaces glycine 1358 with glutamic acid.
Molecular consequence: missense variant.
Genome position (GRCh38, 1-based): chr6:142,770,666, C>T on the plus strand (G>A on the coding strand, the complement: HIVEP2 is on the minus strand). VCF-style: chr6-142770666-C-T. GRCh37 (hg19) VCF-style: chr6-143091803-C-T.
Other names: short protein forms G1358E.
Identifiers: ClinVar variation 3714556 (VCV003714556.2).